The following is an entry in ClinVar:

NM_139057.4(ADAMTS17):c.-9C>T

Gene: ADAMTS17 (ADAM metallopeptidase with thrombospondin type 1 motif 17; minus strand). Cytogenetic location: 15q26.3.
Variant type: single nucleotide variant.
Coding change: c.-9C>T on transcript NM_139057.4 (MANE Select); 9 bases upstream of the start codon, C replaced by T.
Molecular consequence: 5 prime UTR variant.
Genome position (GRCh38, 1-based): chr15:100,341,908, G>A on the plus strand (C>T on the coding strand, the complement: ADAMTS17 is on the minus strand). VCF-style: chr15-100341908-G-A. GRCh37 (hg19) VCF-style: chr15-100882113-G-A.
Identifiers: ClinVar variation 315326 (VCV000315326.5), dbSNP rs192272127, ClinGen allele CA7758783.

ClinVar aggregate classification (germline): Likely benign (1 of 4 stars; one submission).

Conditions:
Weill-Marchesani 4 syndrome, recessive. Also called: Weill-Marchesani syndrome 4. Identifiers: Orphanet 363992, MedGen C2750787, MONDO:0013176, OMIM 613195.

Allele frequency attached by ClinVar (database versions not stated): gnomAD exomes 0.00061 and 0.00198; gnomAD 0.00067 and 0.00098; ExAC 0.00071; TOPMed 0.00094; 1000 Genomes Project 30x 0.00406; 1000 Genomes Project 0.00459.
gnomAD v4.1: 1,013 of 1,546,070 alleles (0.066%); highest among the groups gnomAD compares: East Asian, 2.2%; 17 homozygotes.

Submission:

Illumina Laboratory Services, Illumina
Classification: Likely benign for Weill-Marchesani 4 syndrome, recessive. Last evaluated: 2018-01-12. Review status: criteria provided, single submitter. Criteria: ICSL Variant Classification Criteria 13 December 2019. Collection method: clinical testing. Allele origin: germline.
Comment: This variant was observed in the ICSL laboratory as part of a predisposition screen in an ostensibly healthy population. It had not been previously curated by ICSL or reported in the Human Gene Mutation Database (HGMD: prior to June 1st, 2018), and was therefore a candidate for classification through an automated scoring system. Utilizing variant allele frequency, disease prevalence and penetrance estimates, and inheritance mode, an automated score was calculated to assess if this variant is too frequent to cause the disease. Based on the score and internal cut-off values, a variant classified as likely benign is not then subjected to further curation. The score for this variant resulted in a classification of likely benign for this disease.